The following is an entry in ClinVar:

NM_007078.3(LDB3):c.913G>C (p.Ala305Pro)

Gene: LDB3 (LIM domain binding 3; plus strand). Cytogenetic location: 10q23.2.
Variant type: single nucleotide variant.
Coding change: c.913G>C on transcript NM_007078.3 (MANE Select); coding-DNA position 913, G replaced by C.
Protein change: p.Ala305Pro; replaces alanine 305 with proline.
Molecular consequence: missense variant. On other transcripts: intron variant (4).
Genome position (GRCh38, 1-based): chr10:86,706,547, G>C. VCF-style: chr10-86706547-G-C. GRCh37 (hg19) VCF-style: chr10-88466304-G-C.
Other names: c.772G>C, p.Ala258Pro (NM_001368066.1); c.897-3358G>C (NM_001368064.1, NM_001368065.1); c.1101-3358G>C (NM_001171610.2); c.756-3358G>C (NM_001080114.2); c.913G>C (NM_007078.2); short protein forms A258P, A305P.
Identifiers: ClinVar variation 1443185 (VCV001443185.8), dbSNP rs573547650, ClinGen allele CA211196285.

ClinVar aggregate classification (germline): Uncertain significance. Review status: criteria provided, multiple submitters, no conflicts (2 of 4 stars). 3 submissions from 3 submitters: Uncertain significance (3). Last evaluated 2026-08-03.

Conditions:
Cardiovascular phenotype. Identifiers: MedGen CN230736.
Myofibrillar myopathy 4. Also called: Zaspopathy (type). Identifiers: Orphanet 98912, MedGen C4721886, MONDO:0012277, OMIM 609452.

Allele frequency attached by ClinVar (database versions not stated): 1000 Genomes Project 30x 0.00016; gnomAD exomes below 0.00001; gnomAD 0.00001; 1000 Genomes Project 0.00020.
gnomAD v4.1: 2 of 1,612,676 alleles (0.00012%); highest among the groups gnomAD compares: Admixed American, 0.0033%; no homozygotes.

Submissions (3):

Ambry Genetics
Classification: Uncertain significance for Cardiovascular phenotype. Last evaluated: 2026-08-03. Review status: criteria provided, single submitter. Criteria: Ambry Variant Classification Scheme 2023. Collection method: clinical testing. Allele origin: germline.

GeneDx
Classification: Uncertain significance. Last evaluated: 2022-07-14. Review status: criteria provided, single submitter. Criteria: GeneDx Variant Classification Process June 2021. Collection method: clinical testing. Allele origin: germline. Affected: yes.
Comment: Not observed at significant frequency in large population cohorts (gnomAD); In silico analysis supports that this missense variant does not alter protein structure/function; Has not been previously published as pathogenic or benign to our knowledge

Labcorp Genetics (formerly Invitae), Labcorp
Classification: Uncertain significance for Myofibrillar myopathy 4. Last evaluated: 2021-11-04. Review status: criteria provided, single submitter. Criteria: Invitae Variant Classification Sherloc (09022015). Collection method: clinical testing. Allele origin: germline.
Comment: Experimental studies and prediction algorithms are not available or were not evaluated, and the functional significance of this variant is currently unknown. In summary, the available evidence is currently insufficient to determine the role of this variant in disease. Therefore, it has been classified as a Variant of Uncertain Significance. This variant has not been reported in the literature in individuals affected with LDB3-related conditions. This variant is not present in population databases (gnomAD no frequency). This sequence change replaces alanine, which is neutral and non-polar, with proline, which is neutral and non-polar, at codon 305 of the LDB3 protein (p.Ala305Pro). The LDB3 gene has multiple clinically relevant transcripts. This variant occurs in alternate transcript NM_007078.3, and corresponds to NM_001080116.1:c.*7173G>C in the primary transcript.